The following is an entry in ClinVar:

NM_002439.5(MSH3):c.1906dup (p.Gln636fs)

Gene: MSH3 (mutS homolog 3; plus strand). Cytogenetic location: 5q14.1.
Variant type: Duplication.
Coding change: c.1906dup on transcript NM_002439.5 (MANE Select); coding-DNA position 1906, one base duplicated (C; older notation c.1906dupC).
Protein change: p.Gln636fs; shifts the reading frame from glutamine 636.
Molecular consequence: frameshift variant.
Genome position (GRCh38, 1-based): chr5:80,767,942, C duplicated; the last of 3 consecutive C bases (chr5:80,767,940-80,767,942); duplicating any one gives the same sequence. VCF-style (leftmost placement, unchanged base first): chr5-80767939-A-AC. GRCh37 (hg19) VCF-style: chr5-80063758-A-AC.
Other names: short protein forms Q636fs.
Identifiers: ClinVar variation 2111445 (VCV002111445.4), dbSNP rs2546773533, ClinGen allele CA2580073570.

ClinVar aggregate classification (germline): Pathogenic (1 of 4 stars; one submission).

Submission:

Labcorp Genetics (formerly Invitae), Labcorp
Classification: Pathogenic. Last evaluated: 2022-03-13. Review status: criteria provided, single submitter. Criteria: Invitae Variant Classification Sherloc (09022015). Collection method: clinical testing. Allele origin: germline.
Comment: This variant is not present in population databases (gnomAD no frequency). For these reasons, this variant has been classified as Pathogenic. This variant has not been reported in the literature in individuals affected with MSH3-related conditions. This sequence change creates a premature translational stop signal (p.Gln636Profs*25) in the MSH3 gene. It is expected to result in an absent or disrupted protein product. Loss-of-function variants in MSH3 are known to be pathogenic (PMID: 27476653).

Literature cited by the submitters: PubMed 27476653.